The following is an entry in ClinVar:

ClinVar aggregate classification (germline): Uncertain significance. Review status: criteria provided, multiple submitters, no conflicts (2 of 4 stars). 2 submissions from 2 submitters: Uncertain significance (2). Last evaluated 2025-10-31.

Conditions:
Cardiovascular phenotype. Identifiers: MedGen CN230736.
Hereditary cancer-predisposing syndrome. Also called: Neoplastic Syndromes, Hereditary; Tumor predisposition; Hereditary neoplastic syndrome; Hereditary Cancer Syndrome. Identifiers: Orphanet 140162, MedGen C0027672, MeSH D009386, MONDO:0015356.
Neurofibromatosis, type 1 (NF1). Also called: NEUROFIBROMATOSIS, TYPE I, SOMATIC; Neurofibromatosis, type I; VON RECKLINGHAUSEN DISEASE; Peripheral type neurofibromatosis. Identifiers: Orphanet 636, MedGen C0027831, MONDO:0018975, OMIM 162200. Disease mechanism: loss of function.

Submissions (2):

Ambry Genetics
Classification: Uncertain significance for Cardiovascular phenotype; Hereditary cancer-predisposing syndrome. Last evaluated: 2025-10-31. Review status: criteria provided, single submitter. Criteria: Ambry Variant Classification Scheme 2023. Collection method: clinical testing. Allele origin: germline.
Comment: The p.F610Y variant (also known as c.1829T>A), located in coding exon 16 of the NF1 gene, results from a T to A substitution at nucleotide position 1829. The phenylalanine at codon 610 is replaced by tyrosine, an amino acid with highly similar properties. This amino acid position is conserved. In addition, this alteration is predicted to be tolerated by in silico analysis. Based on the available evidence, the clinical significance of this variant remains unclear.

Labcorp Genetics (formerly Invitae), Labcorp
Classification: Uncertain significance for Neurofibromatosis, type 1. Last evaluated: 2023-02-15. Review status: criteria provided, single submitter. Criteria: Invitae Variant Classification Sherloc (09022015). Collection method: clinical testing. Allele origin: germline.
Comment: Advanced modeling of protein sequence and biophysical properties (such as structural, functional, and spatial information, amino acid conservation, physicochemical variation, residue mobility, and thermodynamic stability) performed at Invitae indicates that this missense variant is not expected to disrupt NF1 protein function. This sequence change replaces phenylalanine, which is neutral and non-polar, with tyrosine, which is neutral and polar, at codon 610 of the NF1 protein (p.Phe610Tyr). This variant is not present in population databases (gnomAD no frequency). This variant has not been reported in the literature in individuals affected with NF1-related conditions. ClinVar contains an entry for this variant (Variation ID: 1492972). In summary, the available evidence is currently insufficient to determine the role of this variant in disease. Therefore, it has been classified as a Variant of Uncertain Significance.

NM_001042492.3(NF1):c.1829T>A (p.Phe610Tyr)

Gene: NF1 (neurofibromin 1; plus strand). Cytogenetic location: 17q11.2.
Variant type: single nucleotide variant.
Coding change: c.1829T>A on transcript NM_001042492.3 (MANE Select); coding-DNA position 1829, T replaced by A.
Protein change: p.Phe610Tyr; replaces phenylalanine 610 with tyrosine.
Molecular consequence: missense variant.
Genome position (GRCh38, 1-based): chr17:31,223,551, T>A. VCF-style: chr17-31223551-T-A. GRCh37 (hg19) VCF-style: chr17-29550569-T-A.
Other names: c.1829T>A, p.Phe610Tyr (NM_000267.4); short protein forms F610Y.
Identifiers: ClinVar variation 1492972 (VCV001492972.7), dbSNP rs2144017133, ClinGen allele CA399004641.